The following is an entry in ClinVar:

ClinVar aggregate classification (germline): Uncertain significance. Review status: criteria provided, multiple submitters, no conflicts (2 of 4 stars). 2 submissions from 2 submitters: Uncertain significance (2). Last evaluated 2025-02-05.

Conditions:
Hereditary cancer-predisposing syndrome. Also called: Neoplastic Syndromes, Hereditary; Tumor predisposition; Hereditary Cancer Syndrome; Hereditary neoplastic syndrome. Identifiers: Orphanet 140162, MedGen C0027672, MeSH D009386, MONDO:0015356.

Allele frequency attached by ClinVar (database versions not stated): gnomAD 0.00001; TOPMed 0.00001.
gnomAD v4.1: 2 of 1,613,660 alleles (0.00012%); highest among the groups gnomAD compares: Non-Finnish European, 0.00017%; no homozygotes.

Submissions (2):

Ambry Genetics
Classification: Uncertain significance for Hereditary cancer-predisposing syndrome. Last evaluated: 2025-02-05. Review status: criteria provided, single submitter. Criteria: Ambry Variant Classification Scheme 2023. Collection method: clinical testing. Allele origin: germline.
Comment: The p.A274S variant (also known as c.820G>T), located in coding exon 6 of the RAD50 gene, results from a G to T substitution at nucleotide position 820. The alanine at codon 274 is replaced by serine, an amino acid with similar properties. This amino acid position is highly conserved in available vertebrate species. In addition, this alteration is predicted to be tolerated by in silico analysis. Since supporting evidence is limited at this time, the clinical significance of this alteration remains unclear.

Labcorp Genetics (formerly Invitae), Labcorp
Classification: Uncertain significance for Hereditary cancer-predisposing syndrome. Last evaluated: 2024-04-02. Review status: criteria provided, single submitter. Criteria: Invitae Variant Classification Sherloc (09022015). Collection method: clinical testing. Allele origin: germline.
Comment: This sequence change replaces alanine, which is neutral and non-polar, with serine, which is neutral and polar, at codon 274 of the RAD50 protein (p.Ala274Ser). This variant is not present in population databases (gnomAD no frequency). This variant has not been reported in the literature in individuals affected with RAD50-related conditions. ClinVar contains an entry for this variant (Variation ID: 457492). Advanced modeling of protein sequence and biophysical properties (such as structural, functional, and spatial information, amino acid conservation, physicochemical variation, residue mobility, and thermodynamic stability) performed at Invitae indicates that this missense variant is not expected to disrupt RAD50 protein function with a negative predictive value of 80%. In summary, the available evidence is currently insufficient to determine the role of this variant in disease. Therefore, it has been classified as a Variant of Uncertain Significance.

NM_005732.4(RAD50):c.820G>T (p.Ala274Ser)

Gene: RAD50 (RAD50 double strand break repair protein; plus strand). Cytogenetic location: 5q31.1.
Variant type: single nucleotide variant.
Coding change: c.820G>T on transcript NM_005732.4 (MANE Select); coding-DNA position 820, G replaced by T.
Protein change: p.Ala274Ser; replaces alanine 274 with serine.
Molecular consequence: missense variant.
Genome position (GRCh38, 1-based): chr5:132,587,625, G>T. VCF-style: chr5-132587625-G-T. GRCh37 (hg19) VCF-style: chr5-131923317-G-T.
Other names: short protein forms A274S.
Identifiers: ClinVar variation 457492 (VCV000457492.16), dbSNP rs1180650159, ClinGen allele CA360940221.
Genomic context (GRCh38, chr5:132,587,625, plus strand): 5'-CGTCTAAAAGAAATTGAACATAATCTCTCTAAAATAATGAAACTTGACAATGAAATTAAA[G>T]CCTTGGATAGCCGAAAGAAGCAAATGGAGAAAGATAATAGTGAACTGGAAGAGAAAATGG-3'
Protein context (NP_005723.2, residues 264-284): KIMKLDNEIK[Ala274Ser]LDSRKKQMEK